The following is an entry in ClinVar:

ClinVar aggregate classification (germline): Uncertain significance (1 of 4 stars; one submission).

gnomAD v4.1: 6 of 1,611,264 alleles (0.00037%); highest among the groups gnomAD compares: Non-Finnish European, 0.00042%; no homozygotes.

Submission:

Dasa
Classification: Uncertain significance. Last evaluated: 2026-06-29. Review status: criteria provided, single submitter. Criteria: DASA Assertion Criteria. Collection method: clinical testing. Allele origin: germline.
Comment: NM_019112.4(ABCA7):c.1180G>A (p.Gly394Arg) is a missense variant that results in the substitution of glycine with arginine. This variant is rare in population databases. The currently available literature and clinical evidence are not sufficient to establish a definitive association between this variant and the reported condition. Therefore, this variant is classified as a variant of uncertain significance.

NM_019112.4(ABCA7):c.1180G>A (p.Gly394Arg)

Gene: ABCA7 (ATP binding cassette subfamily A member 7; plus strand). Cytogenetic location: 19p13.3.
Variant type: single nucleotide variant.
Coding change: c.1180G>A on transcript NM_019112.4 (MANE Select); coding-DNA position 1180, G replaced by A.
Protein change: p.Gly394Arg; replaces glycine 394 with arginine.
Molecular consequence: missense variant.
Genome position (GRCh38, 1-based): chr19:1,044,709, G>A. VCF-style: chr19-1044709-G-A. GRCh37 (hg19) VCF-style: chr19-1044708-G-A.
Other names: short protein forms G394R.
Identifiers: ClinVar variation 5020288 (VCV005020288.1).